The following is an entry in ClinVar:

ClinVar aggregate classification (germline): Uncertain significance. Review status: criteria provided, multiple submitters, no conflicts (2 of 4 stars). 2 submissions from 2 submitters: Uncertain significance (2). Last evaluated 2025-11-10.

Conditions:
EGFR-related lung cancer (EGFR). Identifiers: MedGen CN130014.
Hereditary cancer-predisposing syndrome. Also called: Hereditary Cancer Syndrome; Neoplastic Syndromes, Hereditary; Tumor predisposition; Hereditary neoplastic syndrome. Identifiers: Orphanet 140162, MedGen C0027672, MeSH D009386, MONDO:0015356.

Allele frequency attached by ClinVar (database versions not stated): TOPMed below 0.00001; ExAC 0.00001; gnomAD exomes 0.00001.
gnomAD v4.1: 5 of 1,614,232 alleles (0.00031%); highest among the groups gnomAD compares: Non-Finnish European, 0.00025%; no homozygotes.

Submissions (2):

Labcorp Genetics (formerly Invitae), Labcorp
Classification: Uncertain significance for EGFR-related lung cancer. Last evaluated: 2025-11-10. Review status: criteria provided, single submitter. Criteria: Invitae Variant Classification Sherloc (09022015). Collection method: clinical testing. Allele origin: germline.
Comment: This sequence change replaces histidine, which is basic and polar, with asparagine, which is neutral and polar, at codon 383 of the EGFR protein (p.His383Asn). This variant is present in population databases (rs755972013, gnomAD 0.01%). This variant has not been reported in the literature in individuals affected with EGFR-related conditions. ClinVar contains an entry for this variant (Variation ID: 1024407). Invitae Evidence Modeling of protein sequence and biophysical properties (such as structural, functional, and spatial information, amino acid conservation, physicochemical variation, residue mobility, and thermodynamic stability) indicates that this missense variant is not expected to disrupt EGFR protein function with a negative predictive value of 80%. In summary, the available evidence is currently insufficient to determine the role of this variant in disease. Therefore, it has been classified as a Variant of Uncertain Significance.

Ambry Genetics
Classification: Uncertain significance for Hereditary cancer-predisposing syndrome. Last evaluated: 2024-11-21. Review status: criteria provided, single submitter. Criteria: Ambry Variant Classification Scheme 2023. Collection method: clinical testing. Allele origin: germline.
Comment: The p.H383N variant (also known as c.1147C>A), located in coding exon 10 of the EGFR gene, results from a C to A substitution at nucleotide position 1147. The histidine at codon 383 is replaced by asparagine, an amino acid with similar properties. This amino acid position is conserved. In addition, this alteration is predicted to be tolerated by in silico analysis. Based on the available evidence, the clinical significance of this variant remains unclear.

NM_005228.5(EGFR):c.1147C>A (p.His383Asn)

Genes: EGFR (epidermal growth factor receptor; plus strand), LOC126860048 (P300/CBP strongly-dependent group 1 enhancer GRCh37_chr7:55223847-55225046; plus strand). Cytogenetic location: 7p11.2.
Variant type: single nucleotide variant.
Coding change: c.1147C>A on transcript NM_005228.5 (MANE Select); coding-DNA position 1147, C replaced by A.
Protein change: p.His383Asn; replaces histidine 383 with asparagine.
Molecular consequence: missense variant.
Genome position (GRCh38, 1-based): chr7:55,156,772, C>A. VCF-style: chr7-55156772-C-A. GRCh37 (hg19) VCF-style: chr7-55224465-C-A.
Other names: c.1147C>A (NM_005228.3); c.1012C>A, p.His338Asn (NM_001346897.2, NM_001346899.2); c.1147C>A, p.His383Asn (NM_001346898.2, NM_201282.2, NM_201283.2 and 1 more transcripts); c.988C>A, p.His330Asn (NM_001346900.2); c.346C>A, p.His116Asn (NM_001346941.2); short protein forms H116N, H330N, H338N, H383N.
Identifiers: ClinVar variation 1024407 (VCV001024407.10), dbSNP rs755972013, ClinGen allele CA4265498.